The following is an entry in ClinVar:

NM_000051.4(ATM):c.4214T>G (p.Leu1405Ter)

Gene: ATM (ATM serine/threonine kinase; plus strand). Cytogenetic location: 11q22.3.
Variant type: single nucleotide variant.
Coding change: c.4214T>G on transcript NM_000051.4 (MANE Select); coding-DNA position 4214, T replaced by G.
Protein change: p.Leu1405Ter; replaces leucine 1405 with a stop codon.
Molecular consequence: nonsense.
Genome position (GRCh38, 1-based): chr11:108,289,081, T>G. VCF-style: chr11-108289081-T-G. GRCh37 (hg19) VCF-style: chr11-108159808-T-G.
Other names: c.4214T>G, p.Leu1405Ter (NM_001351834.2); short protein forms L1405*.
Identifiers: ClinVar variation 3148039 (VCV003148039.1), dbSNP rs2135753345, ClinGen allele CA382530510.

ClinVar aggregate classification (germline): Pathogenic (1 of 4 stars; one submission).

Conditions:
Familial cancer of breast. Also called: BREAST CANCER, FAMILIAL; Hereditary breast cancer; hereditary breast carcinoma. Identifiers: Orphanet 227535, MedGen C0346153, MONDO:0016419, OMIM 114480. Disease mechanism: loss of function.

Submission:

Myriad Genetics, Inc.
Classification: Pathogenic for Familial cancer of breast. Last evaluated: 2024-01-23. Review status: criteria provided, single submitter. Criteria: Myriad Autosomal Dominant, Autosomal Recessive and X-Linked Classification Criteria (2023). Collection method: clinical testing. Allele origin: unknown.
Comment: This variant is considered pathogenic. This variant creates a termination codon and is predicted to result in premature protein truncation.